The following is an entry in ClinVar:

NM_007153.3(ZNF208):c.1557T>C (p.His519=)

Gene: ZNF208 (zinc finger protein 208; minus strand). Cytogenetic location: 19p12.
Variant type: single nucleotide variant.
Coding change: c.1557T>C on transcript NM_007153.3 (MANE Select); coding-DNA position 1557, T replaced by C.
Protein change: p.His519=; no amino-acid change (histidine 519 retained).
Molecular consequence: synonymous variant. On other transcripts: intron variant (4).
Genome position (GRCh38, 1-based): chr19:21,973,477, A>G on the plus strand (T>C on the coding strand, the complement: ZNF208 is on the minus strand). VCF-style: chr19-21973477-A-G. GRCh37 (hg19) VCF-style: chr19-22156279-A-G.
Other names: c.226+13739T>C (NM_001329974.2); c.305+1252T>C (NM_001329971.2, NM_001329973.1); c.227-12693T>C (NM_001329972.1).
Identifiers: ClinVar variation 2649638 (VCV002649638.24), dbSNP rs879242632, ClinGen allele CA306562810.

ClinVar aggregate classification (germline): Likely benign (1 of 4 stars; one submission).

Allele frequency attached by ClinVar (database versions not stated): gnomAD exomes below 0.00001.

Submission:

CeGaT Center for Human Genetics Tuebingen
Classification: Likely benign. Last evaluated: 2026-04-01. Review status: criteria provided, single submitter. Criteria: CeGaT Center For Human Genetics Tuebingen Variant Classification Criteria Version 2. Collection method: clinical testing. Allele origin: germline. Affected: yes. Observed: 2 variant alleles.
Comment: ZNF208: BP4, BP7